The following is an entry in ClinVar:

NM_004539.4(NARS1):c.569del (p.Lys190fs)

Gene: NARS1 (asparaginyl-tRNA synthetase 1; minus strand). Cytogenetic location: 18q21.31.
Variant type: Deletion.
Coding change: c.569del on transcript NM_004539.4 (MANE Select); coding-DNA position 569, one base deleted (A; older notation c.569delA).
Protein change: p.Lys190fs; shifts the reading frame from lysine 190.
Molecular consequence: frameshift variant.
Genome position (GRCh38, 1-based): chr18:57,609,367, T deleted on the plus strand (A on the coding strand, the reverse complement: NARS1 is on the minus strand); the first of 3 consecutive T bases (chr18:57,609,367-57,609,369); deleting any one gives the same sequence. VCF-style (leftmost placement, unchanged base first): chr18-57609366-CT-C. GRCh37 (hg19) VCF-style: chr18-55276598-CT-C.
Other names: short protein forms K190fs.
Identifiers: ClinVar variation 2648755 (VCV002648755.24), dbSNP rs2511572519, ClinGen allele CA2641947967.

ClinVar aggregate classification (germline): Uncertain significance (1 of 4 stars; one submission).

Submission:

CeGaT Center for Human Genetics Tuebingen
Classification: Uncertain significance. Last evaluated: 2022-03-01. Review status: criteria provided, single submitter. Criteria: CeGaT Center For Human Genetics Tuebingen Variant Classification Criteria Version 2. Collection method: clinical testing. Allele origin: germline. Affected: yes. Observed: 1 variant allele.
Comment: NARS1: PM2